The following is an entry in ClinVar:

ClinVar aggregate classification (germline): Uncertain significance. Review status: criteria provided, multiple submitters, no conflicts (2 of 4 stars). 3 submissions from 3 submitters: Uncertain significance (3). Last evaluated 2025-05-07.

Conditions:
DYNC1H1-related neurodevelopmental disorders.
Charcot-Marie-Tooth disease axonal type 2O. Also called: CHARCOT-MARIE-TOOTH NEUROPATHY, AXONAL, TYPE 2O; CHARCOT-MARIE-TOOTH DISEASE, AXONAL, AUTOSOMAL DOMINANT, TYPE 2O; Charcot-Marie-Tooth Neuropathy Type 2O; Charcot-Marie-Tooth disease, axonal, type 20. Identifiers: Orphanet 284232, MedGen C3280220, MONDO:0013644, OMIM 614228.

Allele frequency attached by ClinVar (database versions not stated): gnomAD 0.00001; TOPMed 0.00002.

Submissions (3):

Labcorp Genetics (formerly Invitae), Labcorp
Classification: Uncertain significance for Charcot-Marie-Tooth disease axonal type 2O. Last evaluated: 2025-05-07. Review status: criteria provided, single submitter. Criteria: Invitae Variant Classification Sherloc (09022015). Collection method: clinical testing. Allele origin: germline.
Comment: This sequence change replaces phenylalanine, which is neutral and non-polar, with leucine, which is neutral and non-polar, at codon 592 of the DYNC1H1 protein (p.Phe592Leu). This variant is not present in population databases (gnomAD no frequency). This variant has not been reported in the literature in individuals affected with DYNC1H1-related conditions. ClinVar contains an entry for this variant (Variation ID: 847870). Invitae Evidence Modeling of protein sequence and biophysical properties (such as structural, functional, and spatial information, amino acid conservation, physicochemical variation, residue mobility, and thermodynamic stability) indicates that this missense variant is not expected to disrupt DYNC1H1 protein function with a negative predictive value of 95%. In summary, the available evidence is currently insufficient to determine the role of this variant in disease. Therefore, it has been classified as a Variant of Uncertain Significance.

GeneDx
Classification: Uncertain significance. Last evaluated: 2023-05-09. Review status: criteria provided, single submitter. Criteria: GeneDx Variant Classification Process June 2021. Collection method: clinical testing. Allele origin: germline.
Comment: Not observed at significant frequency in large population cohorts (gnomAD); In silico analysis supports that this missense variant has a deleterious effect on protein structure/function; Has not been previously published as pathogenic or benign to our knowledge; This variant is associated with the following publications: (PMID: 28196890, 26100331, 25512093, 25609763)

Illumina Laboratory Services, Illumina
Classification: Uncertain significance for DYNC1H1-related neurodevelopmental disorders. Last evaluated: 2020-04-01. Review status: criteria provided, single submitter. Criteria: ICSLVariantClassificationCriteria RUGD 01 April 2020. Collection method: clinical testing. Allele origin: unknown.
Comment: The DYNC1H1 c.1774T>C (p.Phe592Leu) variant is a missense variant. A literature search was performed for the gene, cDNA change, and amino acid change. No publications were found based on this search. This variant is not found in the Genome Aggregation Database in a region of good sequence coverage so the variant is presumed to be rare. The p.Phe592Leu variant is located in the DYNC1H1 binding domain which is important for dynein complex formation (Hoang et al. 2017). Based on the limited evidence, the p.Phe592Leu is classified as a variant of unknown significance for autosomal dominant DYNC1H1-related neurodevelopmental disorders.

Literature cited by the submitters: PubMed 28196890 (cited by Illumina Laboratory Services, Illumina).

NM_001376.5(DYNC1H1):c.1774T>C (p.Phe592Leu)

Gene: DYNC1H1 (dynein cytoplasmic 1 heavy chain 1; plus strand). Cytogenetic location: 14q32.31.
Variant type: single nucleotide variant.
Coding change: c.1774T>C on transcript NM_001376.5 (MANE Select); coding-DNA position 1774, T replaced by C.
Protein change: p.Phe592Leu; replaces phenylalanine 592 with leucine.
Molecular consequence: missense variant.
Genome position (GRCh38, 1-based): chr14:101,985,999, T>C. VCF-style: chr14-101985999-T-C. GRCh37 (hg19) VCF-style: chr14-102452336-T-C.
Other names: short protein forms F592L.
Identifiers: ClinVar variation 847870 (VCV000847870.17), dbSNP rs1371614408, ClinGen allele CA391019310.
Genomic context (GRCh38, chr14:101,985,999, plus strand): 5'-CTTGGCACAGCCAAGAATGCCAACGAGATGTTTAGGATTTTCTCCAGGTTTAATGCACTG[T>C]TTGTCAGGCCTCACATCCGTGGGGCCATTCGCGAATACCAGACCCAGCTGATCCAGCGCG-3'
Protein context (NP_001367.2, residues 582-602): FRIFSRFNAL[Phe592Leu]VRPHIRGAIR